The following is an entry in ClinVar:

ClinVar aggregate classification (germline): Uncertain significance (1 of 4 stars; one submission).

Submission:

GeneDx
Classification: Uncertain significance. Last evaluated: 2022-09-30. Review status: criteria provided, single submitter. Criteria: GeneDx Variant Classification Process June 2021. Collection method: clinical testing. Allele origin: germline. Affected: yes.
Comment: Not observed at significant frequency in large population cohorts (gnomAD); In silico analysis supports that this missense variant does not alter protein structure/function; Has not been previously published as pathogenic or benign to our knowledge

NM_015981.4(CAMK2A):c.604A>G (p.Ile202Val)

Gene: CAMK2A (calcium/calmodulin dependent protein kinase II alpha; minus strand). Cytogenetic location: 5q32.
Variant type: single nucleotide variant.
Coding change: c.604A>G on transcript NM_015981.4 (MANE Select); coding-DNA position 604, A replaced by G.
Protein change: p.Ile202Val; replaces isoleucine 202 with valine.
Molecular consequence: missense variant.
Genome position (GRCh38, 1-based): chr5:150,251,839, T>C on the plus strand (A>G on the coding strand, the complement: CAMK2A is on the minus strand). VCF-style: chr5-150251839-T-C. GRCh37 (hg19) VCF-style: chr5-149631402-T-C.
Other names: c.604A>G, p.Ile202Val (NM_001363989.1, NM_001363990.1, NM_001369025.2 and 1 more transcripts); short protein forms I202V.
Identifiers: ClinVar variation 2446663 (VCV002446663.1), dbSNP rs1755849782, ClinGen allele CA361750280.